The following is an entry in ClinVar:

ClinVar aggregate classification (germline): Uncertain significance. Review status: criteria provided, multiple submitters, no conflicts (2 of 4 stars). 2 submissions from 2 submitters: Uncertain significance (2). Last evaluated 2025-02-07.

Conditions:
UCP3-related disorder. Also called: UCP3-related condition.

Allele frequency attached by ClinVar (database versions not stated): gnomAD 0.00001; ExAC 0.00005.

Submissions (2):

PreventionGenetics, part of Exact Sciences
Classification: Uncertain significance for UCP3-related condition. Last evaluated: 2025-02-07. Review status: criteria provided, single submitter. Criteria: ACMG Guidelines, 2015. Collection method: clinical testing. Allele origin: germline.
Comment: The UCP3 c.1A>C variant is predicted to disrupt the translation initiation site (Start loss). To our knowledge, this variant has not been reported in the literature. This variant is reported in 0.017% of alleles in individuals of Latino descent in gnomAD. At this time, the clinical significance of this variant is uncertain due to the absence of conclusive functional and genetic evidence.

Labcorp Genetics (formerly Invitae), Labcorp
Classification: Uncertain significance. Last evaluated: 2022-04-10. Review status: criteria provided, single submitter. Criteria: Invitae Variant Classification Sherloc (09022015). Collection method: clinical testing. Allele origin: germline.
Comment: This variant is present in population databases (rs764423149, gnomAD 0.02%). This sequence change affects the initiator methionine of the UCP3 mRNA. The next in-frame methionine is located at codon 13. This variant has not been reported in the literature in individuals affected with UCP3-related conditions. In summary, the available evidence is currently insufficient to determine the role of this variant in disease. Therefore, it has been classified as a Variant of Uncertain Significance.

NM_003356.4(UCP3):c.1A>C (p.Met1Leu)

Gene: UCP3 (uncoupling protein 3; minus strand). Cytogenetic location: 11q13.4.
Variant type: single nucleotide variant.
Coding change: c.1A>C on transcript NM_003356.4 (MANE Select); coding-DNA position 1, A replaced by C.
Protein change: p.Met1Leu; changes the start codon (methionine 1).
Molecular consequence: missense variant, initiator codon variant.
Genome position (GRCh38, 1-based): chr11:74,007,042, T>G on the plus strand (A>C on the coding strand, the complement: UCP3 is on the minus strand). VCF-style: chr11-74007042-T-G. GRCh37 (hg19) VCF-style: chr11-73718087-T-G.
Other names: c.1A>C, p.Met1Leu (NM_022803.3); c.1A>C (NM_003356.3); short protein forms M1L.
Identifiers: ClinVar variation 2078046 (VCV002078046.7), dbSNP rs764423149, ClinGen allele CA6181674.